The following is an entry in ClinVar:

ClinVar aggregate classification (germline): Likely pathogenic. Review status: criteria provided, multiple submitters, no conflicts (2 of 4 stars). 3 submissions from 3 submitters: Likely pathogenic (2). 1 of the submissions does not count toward it. Last evaluated 2024-02-27.

Conditions:
COL10A1-related disorders.
Metaphyseal chondrodysplasia, Schmid type (MCDS). Also called: SPONDYLOMETAPHYSEAL DYSPLASIA, JAPANESE TYPE. Identifiers: Orphanet 174, MedGen C0265289, MONDO:0007983, OMIM 156500.

Submissions (3):

Blueprint Genetics
Classification: Likely pathogenic for COL10A1-related disorders. Last evaluated: 2024-02-27. Review status: criteria provided, single submitter. Criteria: ACMG Guidelines, 2015. Collection method: clinical testing. Allele origin: germline. Affected: yes. Observed: 1 variant allele.

Labcorp Genetics (formerly Invitae), Labcorp
Classification: Likely pathogenic. Last evaluated: 2021-03-07. Review status: criteria provided, single submitter. Criteria: Invitae Variant Classification Sherloc (09022015). Collection method: clinical testing. Allele origin: germline.
Comment: This sequence change replaces cysteine with arginine at codon 591 of the COL10A1 protein (p.Cys591Arg). The cysteine residue is highly conserved and there is a large physicochemical difference between cysteine and arginine. This variant is not present in population databases (ExAC no frequency). This variant has been observed in individual(s) with metaphyseal chondrodysplasia, Schmid type (PMID: 8004099, 16088909, Invitae). In at least one individual the variant was observed to be de novo. ClinVar contains an entry for this variant (Variation ID: 17467). Algorithms developed to predict the effect of missense changes on protein structure and function are either unavailable or do not agree on the potential impact of this missense change (SIFT: "Deleterious"; PolyPhen-2: "Probably Damaging"; Align-GVGD: "Class C0"). This variant disrupts the p.Cys591 amino acid residue in COL10A1. Other variant(s) that disrupt this residue have been observed in individuals with COL10A1-related conditions (PMID: 30202406, Invitae), which suggests that this may be a clinically significant amino acid residue. In summary, the currently available evidence indicates that the variant is pathogenic, but additional data are needed to prove that conclusively. Therefore, this variant has been classified as Likely Pathogenic.

OMIM
Classification: Pathogenic for METAPHYSEAL CHONDRODYSPLASIA, SCHMID TYPE. Last evaluated: 1994-02-01. Review status: no assertion criteria provided. Collection method: literature only. Allele origin: unknown. Not counted in ClinVar's aggregate classification.

Literature cited by the submitters: PubMed 8004099 (cited by Labcorp Genetics (formerly Invitae), Labcorp and OMIM); PubMed 16088909 (cited by Labcorp Genetics (formerly Invitae), Labcorp); PubMed 30202406 (cited by Labcorp Genetics (formerly Invitae), Labcorp).

NM_000493.4(COL10A1):c.1771T>C (p.Cys591Arg)

Genes: COL10A1 (collagen type X alpha 1 chain; minus strand), NT5DC1 (5'-nucleotidase domain containing 1; plus strand). Cytogenetic location: 6q22.1.
Variant type: single nucleotide variant.
Coding change: c.1771T>C on transcript NM_000493.4 (MANE Select); coding-DNA position 1771, T replaced by C.
Protein change: p.Cys591Arg; replaces cysteine 591 with arginine.
Molecular consequence: missense variant. On other transcripts: intron variant (1).
Genome position (GRCh38, 1-based): chr6:116,120,345, A>G on the plus strand (T>C on the coding strand, the complement: COL10A1 is on the minus strand). VCF-style: chr6-116120345-A-G. GRCh37 (hg19) VCF-style: chr6-116441508-A-G.
Other names: c.1771T>C, p.Cys591Arg (NM_001424106.1, NM_001424107.1); c.529+2400A>G (NM_152729.3); short protein forms C591R.
Identifiers: ClinVar variation 17467 (VCV000017467.11), dbSNP rs111033546, ClinGen allele CA127212.